The following is an entry in ClinVar:

ClinVar aggregate classification (germline): Likely benign (1 of 4 stars; one submission).

Allele frequency attached by ClinVar (database versions not stated): gnomAD 0.00001; gnomAD exomes 0.00001; TOPMed 0.00002.
gnomAD v4.1: 16 of 1,520,820 alleles (0.0011%); highest among the groups gnomAD compares: Non-Finnish European, 0.0014%; no homozygotes.

Submission:

GeneDx
Classification: Likely benign. Last evaluated: 2017-08-09. Review status: criteria provided, single submitter. Criteria: GeneDx Variant Classification (06012015). Collection method: clinical testing. Allele origin: germline. Affected: yes.
Comment: This variant is considered likely benign or benign based on one or more of the following criteria: it is a conservative change, it occurs at a poorly conserved position in the protein, it is predicted to be benign by multiple in silico algorithms, and/or has population frequency not consistent with disease.

NM_004360.5(CDH1):c.-40G>A

Genes: CDH1 (cadherin 1; plus strand), LOC130059290 (ATAC-STARR-seq lymphoblastoid silent region 7650; plus strand). Cytogenetic location: 16q22.1.
Variant type: single nucleotide variant.
Coding change: c.-40G>A on transcript NM_004360.5 (MANE Select); 40 bases upstream of the start codon, G replaced by A.
Molecular consequence: 5 prime UTR variant.
Genome position (GRCh38, 1-based): chr16:68,737,376, G>A. VCF-style: chr16-68737376-G-A. GRCh37 (hg19) VCF-style: chr16-68771279-G-A.
Other names: c.-40G>A (LRG_301t1, NM_001317184.2); c.-1655G>A (NM_001317185.2); c.-1859G>A (NM_001317186.2).
Identifiers: ClinVar variation 380859 (VCV000380859.1), dbSNP rs1057520910, ClinGen allele CA16607041.